The following is an entry in ClinVar:

NM_006231.4(POLE):c.2032G>C (p.Ala678Pro)

Gene: POLE (DNA polymerase epsilon, catalytic subunit; minus strand). Cytogenetic location: 12q24.33.
Variant type: single nucleotide variant.
Coding change: c.2032G>C on transcript NM_006231.4 (MANE Select); coding-DNA position 2032, G replaced by C.
Protein change: p.Ala678Pro; replaces alanine 678 with proline.
Molecular consequence: missense variant.
Genome position (GRCh38, 1-based): chr12:132,668,497, C>G on the plus strand (G>C on the coding strand, the complement: POLE is on the minus strand). VCF-style: chr12-132668497-C-G. GRCh37 (hg19) VCF-style: chr12-133245083-C-G.
Other names: short protein forms A678P.
Identifiers: ClinVar variation 3361880 (VCV003361880.1).

ClinVar aggregate classification (germline): Uncertain significance (1 of 4 stars; one submission).

Submission:

GeneDx
Classification: Uncertain significance. Last evaluated: 2023-09-06. Review status: criteria provided, single submitter. Criteria: GeneDx Variant Classification Process June 2021. Collection method: clinical testing. Allele origin: germline. Affected: yes.
Comment: Not observed at significant frequency in large population cohorts (gnomAD); In silico analysis supports that this missense variant has a deleterious effect on protein structure/function; Has not been previously published as pathogenic or benign to our knowledge; This variant is associated with the following publications: (PMID: 20951805)